The following is an entry in ClinVar:

NM_030803.7(ATG16L1):c.898A>G (p.Thr300Ala)

Gene: ATG16L1 (autophagy related 16 like 1; plus strand). Cytogenetic location: 2q37.1.
Variant type: single nucleotide variant.
Coding change: c.898A>G on transcript NM_030803.7 (MANE Select); coding-DNA position 898, A replaced by G.
Protein change: p.Thr300Ala; replaces threonine 300 with alanine.
Molecular consequence: missense variant.
Genome position (GRCh38, 1-based): chr2:233,274,722, A>G. VCF-style: chr2-233274722-A-G. GRCh37 (hg19) VCF-style: chr2-234183368-A-G.
Other names: ATG16L1, THR300ALA (rs2241880); c.646A>G, p.Thr216Ala (NM_001190266.2); c.550A>G, p.Thr184Ala (NM_001190267.2); c.949A>G, p.Thr317Ala (NM_001363742.2); c.841A>G, p.Thr281Ala (NM_017974.4); c.409A>G, p.Thr137Ala (NM_198890.3); c.841A>G (NM_017974.3); short protein forms T300A, T281A, T216A, T317A, T137A, T184A.
Identifiers: ClinVar variation 1130 (VCV000001130.8), dbSNP rs2241880, ClinGen allele CA114782.

ClinVar aggregate classification (germline): Benign. Review status: criteria provided, multiple submitters, no conflicts (2 of 4 stars). 4 submissions from 4 submitters: Benign (2). 2 of the submissions do not count toward it. Last evaluated 2015-02-24.

Conditions:
Inflammatory bowel disease 10, susceptibility to.
ATG16L1-related disorder. Also called: ATG16L1-related condition.

Allele frequency attached by ClinVar (database versions not stated): 1000 Genomes Project 0.39597; 1000 Genomes Project 30x 0.40303; TOPMed 0.42344; gnomAD 0.43552 and 0.43688; gnomAD exomes 0.45324 and 0.50214; ExAC 0.45780.
gnomAD v4.1: 797,369 of 1,609,114 alleles (50%); highest among the groups gnomAD compares: Middle Eastern, 53%; 203,415 homozygotes.

Submissions (4):

Eurofins Ntd Llc (ga)
Classification: Benign. Last evaluated: 2015-02-24. Review status: criteria provided, single submitter. Criteria: EGL Classification Definitions 2015. Collection method: clinical testing. Allele origin: germline. Observed: 1 variant allele, 1 heterozygote.

Breakthrough Genomics
Classification: Benign. Review status: criteria provided, single submitter. Criteria: ACMG Guidelines, 2015. Collection method: not provided. Allele origin: germline. Inheritance: Unknown mechanism. Affected: yes.

PreventionGenetics, part of Exact Sciences
Classification: Benign for ATG16L1-related condition. Last evaluated: 2019-10-17. Review status: no assertion criteria provided. Collection method: clinical testing. Allele origin: germline. Not counted in ClinVar's aggregate classification.
Comment: This variant is classified as benign based on ACMG/AMP sequence variant interpretation guidelines (Richards et al. 2015 PMID: 25741868, with internal and published modifications).

OMIM
Classification: risk factor for INFLAMMATORY BOWEL DISEASE (CROHN DISEASE) 10, SUSCEPTIBILITY TO. Last evaluated: 2014-02-27. Review status: no assertion criteria provided. Collection method: literature only. Allele origin: germline. Not counted in ClinVar's aggregate classification.

Literature cited by the submitters: PubMed 17200669 (cited by OMIM); PubMed 17435756 (cited by OMIM); PubMed 18438405 (cited by OMIM); PubMed 18852889 (cited by OMIM); PubMed 19337756 (cited by OMIM); PubMed 24553140 (cited by OMIM); PubMed 27273576 (cited by OMIM).